The following is an entry in ClinVar:

NM_001165963.4(SCN1A):c.1132C>T (p.Leu378=)

Gene: SCN1A (sodium voltage-gated channel alpha subunit 1; minus strand). Cytogenetic location: 2q24.3.
Variant type: single nucleotide variant.
Coding change: c.1132C>T on transcript NM_001165963.4 (MANE Select); coding-DNA position 1132, C replaced by T.
Protein change: p.Leu378=; no amino-acid change (leucine 378 retained).
Molecular consequence: synonymous variant. On other transcripts: 5 prime UTR variant (1), non-coding transcript variant (1).
Genome position (GRCh38, 1-based): chr2:166,047,665, G>A on the plus strand (C>T on the coding strand, the complement: SCN1A is on the minus strand). VCF-style: chr2-166047665-G-A. GRCh37 (hg19) VCF-style: chr2-166904175-G-A.
Other names: c.1132C>T (NM_001165963.1); c.1132C>T, p.Leu378= (NM_001165964.3, NM_001202435.3, NM_001353948.2 and 10 more transcripts); c.-1294C>T (NM_001353961.2).
Identifiers: ClinVar variation 2123585 (VCV002123585.5), dbSNP rs1698004482, ClinGen allele CA429903157.

ClinVar aggregate classification (germline): Uncertain significance. Review status: criteria provided, multiple submitters, no conflicts (2 of 4 stars). 2 submissions from 2 submitters: Uncertain significance (2). Last evaluated 2025-08-08.

Conditions:
Early-infantile DEE. Also called: Early infantile epileptic encephalopathy; Ohtahara syndrome; Early infantile epileptic encephalopathy with suppression bursts. Identifiers: Orphanet 1934, MedGen C0393706, MONDO:0800491.

Allele frequency attached by ClinVar (database versions not stated): TOPMed 0.00001.

Submissions (2):

GeneDx
Classification: Uncertain significance. Last evaluated: 2025-08-08. Review status: criteria provided, single submitter. Criteria: GeneDx Variant Classification Process June 2021. Collection method: clinical testing. Allele origin: germline. Affected: yes.
Comment: Not observed at significant frequency in large population cohorts (gnomAD); Has not been previously published as pathogenic or benign to our knowledge; In silico analysis is inconclusive as to whether the variant alters gene splicing. In the absence of RNA/functional studies, the actual effect of this sequence change is unknown.

Labcorp Genetics (formerly Invitae), Labcorp
Classification: Uncertain significance for Early-infantile DEE. Last evaluated: 2022-07-03. Review status: criteria provided, single submitter. Criteria: Invitae Variant Classification Sherloc (09022015). Collection method: clinical testing. Allele origin: germline.
Comment: This variant has not been reported in the literature in individuals affected with SCN1A-related conditions. In summary, the available evidence is currently insufficient to determine the role of this variant in disease. Therefore, it has been classified as a Variant of Uncertain Significance. Algorithms developed to predict the effect of sequence changes on RNA splicing suggest that this variant may disrupt the consensus splice site. This variant is not present in population databases (gnomAD no frequency). This sequence change affects codon 378 of the SCN1A mRNA. It is a 'silent' change, meaning that it does not change the encoded amino acid sequence of the SCN1A protein.